The following is an entry in ClinVar:

NM_001243279.3(ACSF3):c.28C>T (p.Arg10Trp)

Gene: ACSF3 (acyl-CoA synthetase family member 3; plus strand). Cytogenetic location: 16q24.3.
Variant type: single nucleotide variant.
Coding change: c.28C>T on transcript NM_001243279.3 (MANE Select); coding-DNA position 28, C replaced by T.
Protein change: p.Arg10Trp; replaces arginine 10 with tryptophan.
Molecular consequence: missense variant. On other transcripts: non-coding transcript variant (3), intron variant (1).
Genome position (GRCh38, 1-based): chr16:89,100,709, C>T. VCF-style: chr16-89100709-C-T. GRCh37 (hg19) VCF-style: chr16-89167117-C-T.
Other names: c.28C>T, p.Arg10Trp (NM_001127214.4, NM_174917.5); c.-129-1895C>T (NM_001284316.2); c.28C>T (NM_174917.4); short protein forms R10W.
Identifiers: ClinVar variation 203604 (VCV000203604.7), dbSNP rs202182978, ClinGen allele CA312307.

ClinVar aggregate classification (germline): Uncertain significance. Review status: criteria provided, multiple submitters, no conflicts (2 of 4 stars). 4 submissions from 4 submitters: Uncertain significance (3). 1 of the submissions does not count toward it. Last evaluated 2024-09-04.

Conditions:
Combined malonic and methylmalonic acidemia. Identifiers: Orphanet 289504, MedGen C3280314, MONDO:0013661, OMIM 614265.

Allele frequency attached by ClinVar (database versions not stated): TOPMed 0.00015; gnomAD 0.00016 and 0.00015; ESP Exome Variant Server 0.00016.
gnomAD v4.1: 351 of 1,601,370 alleles (0.022%); highest among the groups gnomAD compares: Non-Finnish European, 0.028%; no homozygotes.

Submissions (4):

Revvity Omics, Revvity
Classification: Uncertain significance for Combined malonic and methylmalonic acidemia. Last evaluated: 2024-09-04. Review status: criteria provided, single submitter. Criteria: ACMG Guidelines, 2015. Collection method: clinical testing. Allele origin: germline.

Women's Health and Genetics/Laboratory Corporation of America, LabCorp
Classification: Uncertain significance. Last evaluated: 2023-05-05. Review status: criteria provided, single submitter. Criteria: LabCorp Variant Classification Summary - May 2015. Collection method: clinical testing. Allele origin: germline.
Comment: Variant summary: ACSF3 c.28C>T (p.Arg10Trp) results in a non-conservative amino acid change in the encoded protein sequence. Four of five in-silico tools predict a benign effect of the variant on protein function. The variant allele was found at a frequency of 0.00022 in 233810 control chromosomes. This frequency is not significantly higher than estimated for a pathogenic variant in ACSF3 causing Combined Malonic And Methylmalonic Aciduria (0.00022 vs 0.0058), allowing no conclusion about variant significance. c.28C>T has been reported in the literature in one individual affected with Congenital diaphragmatic hernia (Qiao_2021). This report does not provide unequivocal conclusions about association of the variant with Combined Malonic And Methylmalonic Aciduria. To our knowledge, no experimental evidence demonstrating an impact on protein function has been reported. The following publication have been ascertained in the context of this evaluation (PMID: 34547244). Two clinical diagnostic laboratories have submitted clinical-significance assessments for this variant to ClinVar after 2014 without evidence for independent evaluation. Both laboratories classified the variant as uncertain significance. Based on the evidence outlined above, the variant was classified as uncertain significance.

Labcorp Genetics (formerly Invitae), Labcorp
Classification: Uncertain significance for Combined malonic and methylmalonic acidemia. Last evaluated: 2022-07-12. Review status: criteria provided, single submitter. Criteria: Invitae Variant Classification Sherloc (09022015). Collection method: clinical testing. Allele origin: germline.
Comment: This sequence change replaces arginine, which is basic and polar, with tryptophan, which is neutral and slightly polar, at codon 10 of the ACSF3 protein (p.Arg10Trp). This variant is present in population databases (rs202182978, gnomAD 0.04%). This variant has not been reported in the literature in individuals affected with ACSF3-related conditions. ClinVar contains an entry for this variant (Variation ID: 203604). Algorithms developed to predict the effect of missense changes on protein structure and function output the following: SIFT: "Tolerated"; PolyPhen-2: "Benign"; Align-GVGD: "Class C0". The tryptophan amino acid residue is found in multiple mammalian species, which suggests that this missense change does not adversely affect protein function. In summary, the available evidence is currently insufficient to determine the role of this variant in disease. Therefore, it has been classified as a Variant of Uncertain Significance.

Center for Pediatric Genomic Medicine, Children's Mercy Hospital and Clinics
Classification: Likely pathogenic. Last evaluated: 2014-11-10. Review status: flagged submission. Criteria: ACMG Guidelines, 2015. Collection method: clinical testing. Allele origin: germline. Not counted in ClinVar's aggregate classification.
ClinVar note: Reason: Outlier claim with insufficient supporting evidence

Literature cited by the submitters: PubMed 34547244 (cited by Women's Health and Genetics/Laboratory Corporation of America, LabCorp).